The following is an entry in ClinVar:

ClinVar aggregate classification (germline): Pathogenic. Review status: criteria provided, multiple submitters, no conflicts (2 of 4 stars). 2 submissions from 2 submitters: Pathogenic (2). Last evaluated 2024-07-13.

Conditions:
Mucopolysaccharidosis, MPS-III-C (MPS3C). Also called: SANFILIPPO SYNDROME C; MPS III C; Mucopolysaccharidosis type IIIC (Sanfilippo C); mucopolysaccharidosis type 3C; MUCOPOLYSACCHARIDOSIS, TYPE IIIC; MPS IIIC (Sanfilippo Syndrome Type C). Identifiers: Orphanet 581, Orphanet 79271, MedGen C0086649, MONDO:0009657, OMIM 252930.
Retinitis pigmentosa 73 (RP73). Identifiers: Orphanet 791, MedGen C4225287, MONDO:0014687, OMIM 616544.

Submissions (2):

Myriad Genetics, Inc.
Classification: Pathogenic for Mucopolysaccharidosis, MPS-III-C. Last evaluated: 2024-07-13. Review status: criteria provided, single submitter. Criteria: Myriad Autosomal Dominant, Autosomal Recessive and X-Linked Classification Criteria (2023). Collection method: clinical testing. Allele origin: unknown.
Comment: NM_152419.2(HGSNAT):c.208_209dupTA(W71Tfs*16) is expected to be pathogenic in the context of mucopolysaccharidosis type IIIC. This variant is predicted to lead to an abnormal or absent protein product due to the creation of a premature termination codon in HGSNAT, a gene where loss-of-function variants are known to be pathogenic. Please note: this variant was assessed in the context of healthy population screening.

Labcorp Genetics (formerly Invitae), Labcorp
Classification: Pathogenic for Retinitis pigmentosa 73; Mucopolysaccharidosis, MPS-III-C. Last evaluated: 2024-04-25. Review status: criteria provided, single submitter. Criteria: Invitae Variant Classification Sherloc (09022015). Collection method: clinical testing. Allele origin: germline.
Comment: This sequence change creates a premature translational stop signal (p.Trp71Thrfs*16) in the HGSNAT gene. It is expected to result in an absent or disrupted protein product. Loss-of-function variants in HGSNAT are known to be pathogenic (PMID: 17033958, 19479962). This variant is not present in population databases (gnomAD no frequency). This variant has not been reported in the literature in individuals affected with HGSNAT-related conditions. For these reasons, this variant has been classified as Pathogenic.

Literature cited by the submitters: PubMed 17033958 (cited by Labcorp Genetics (formerly Invitae), Labcorp); PubMed 19479962 (cited by Labcorp Genetics (formerly Invitae), Labcorp).

NM_152419.3(HGSNAT):c.208_209dup (p.Trp71fs)

Gene: HGSNAT (heparan-alpha-glucosaminide N-acetyltransferase; plus strand). Cytogenetic location: 8p11.21.
Variant type: Duplication.
Coding change: c.208_209dup on transcript NM_152419.3 (MANE Select); coding-DNA positions 208 to 209, 2 bases duplicated (TA; older notation c.208_209dupTA).
Protein change: p.Trp71fs; shifts the reading frame from tryptophan 71.
Molecular consequence: frameshift variant. On other transcripts: 5 prime UTR variant (1).
Genome position (GRCh38, 1-based): chr8:43,147,037-43,147,038, TA duplicated. VCF-style (leftmost placement, unchanged base first): chr8-43147036-C-CTA. GRCh37 (hg19) VCF-style: chr8-43002179-C-CTA.
Other names: c.208_209dup, p.Trp71fs (NM_001363227.2, NM_001363228.2); c.-626_-625dup (NM_001363229.2); short protein forms W71fs.
Identifiers: ClinVar variation 3750224 (VCV003750224.3).